The following is an entry in ClinVar:

ClinVar aggregate classification (germline): Benign/Likely benign. Review status: criteria provided, multiple submitters, no conflicts (2 of 4 stars). 5 submissions from 5 submitters: Benign (2); Likely benign (3). Last evaluated 2024-11-27.

Allele frequency attached by ClinVar (database versions not stated): ESP Exome Variant Server 0.00062; gnomAD 0.01441 and 0.01646; 1000 Genomes Project 30x 0.06309.
gnomAD v4.1: 10,306 of 1,567,196 alleles (0.66%); highest among the groups gnomAD compares: East Asian, 17%; no homozygotes.

Submissions (5):

Blueprint Genetics
Classification: Likely benign. Last evaluated: 2024-11-27. Review status: criteria provided, single submitter. Criteria: ACMG Guidelines, 2015. Collection method: clinical testing. Allele origin: germline.

Mayo Clinic Laboratories, Mayo Clinic
Classification: Benign. Last evaluated: 2023-05-01. Review status: criteria provided, single submitter. Criteria: ACMG Guidelines, 2015. Collection method: clinical testing. Allele origin: germline. Observed: 3 variant alleles.
Comment: BA1

GeneDx
Classification: Likely benign. Last evaluated: 2021-06-04. Review status: criteria provided, single submitter. Criteria: GeneDx Variant Classification Process June 2021. Collection method: clinical testing. Allele origin: germline. Affected: yes.

Laboratory for Molecular Medicine, Mass General Brigham Personalized Medicine
Classification: Benign. Last evaluated: 2017-08-23. Review status: criteria provided, single submitter. Criteria: LMM Criteria. Collection method: clinical testing. Allele origin: germline. Observed: 6 variant alleles.
Comment: p.Gln794Gln in exon 21 of OTOA: This variant is not expected to have clinical si gnificance because it does not alter an amino acid residue, is not located withi n the splice consensus sequence, and has been identified in 21.59% (1708/7910) o f East Asian chromosomes by the Exome Aggregation Consortium (ExAC.; dbSNP rs143890524).

Breakthrough Genomics
Classification: Likely benign. Review status: criteria provided, single submitter. Criteria: ACMG Guidelines, 2015. Collection method: not provided. Allele origin: germline. Inheritance: Autosomal recessive inheritance. Affected: yes.

NM_144672.4(OTOA):c.2382G>A (p.Gln794=)

Gene: OTOA (otoancorin). Cytogenetic location: 16p12.2.
Variant type: single nucleotide variant.
Coding change: c.2382G>A on transcript NM_144672.4 (MANE Select); coding-DNA position 2382, G replaced by A.
Protein change: p.Gln794=; no amino-acid change (glutamine 794 retained).
Molecular consequence: synonymous variant.
Genome position (GRCh38, 1-based): chr16:21,736,341, G>A. VCF-style: chr16-21736341-G-A. GRCh37 (hg19) VCF-style: chr16-21747662-G-A.
Other names: p.Gln794=; c.2145G>A, p.Gln715= (NM_001161683.2); c.1410G>A, p.Gln470= (NM_170664.3).
Identifiers: ClinVar variation 506082 (VCV000506082.10), dbSNP rs143890524, ClinGen allele CA7952966.